The following is an entry in ClinVar:

ClinVar aggregate classification (germline): Uncertain significance. Review status: criteria provided, multiple submitters, no conflicts (2 of 4 stars). 2 submissions from 2 submitters: Uncertain significance (2). Last evaluated 2024-10-30.

Conditions:
Walker-Warburg congenital muscular dystrophy. Also called: Muscular dystrophy-dystroglycanopathy, type A; Walker-Warburg syndrome. Identifiers: Orphanet 899, MedGen C0265221, MONDO:0000171.
Muscular dystrophy-dystroglycanopathy (congenital with impaired intellectual development), type B, 1. Also called: MUSCULAR DYSTROPHY, CONGENITAL, POMT1-RELATED; Muscular dystrophy-dystroglycanopathy (congenital with intellectual disability), type B1. Identifiers: MedGen C5436962, MONDO:0013159, OMIM 613155.
Autosomal recessive limb-girdle muscular dystrophy type 2K. Also called: MUSCULAR DYSTROPHY-DYSTROGLYCANOPATHY (LIMB-GIRDLE), TYPE C, 1; MUSCULAR DYSTROPHY, LIMB-GIRDLE, TYPE 2K. Identifiers: Orphanet 86812, MedGen C1836373, MONDO:0012248, OMIM 609308.

Allele frequency attached by ClinVar (database versions not stated): gnomAD exomes 0.00001.
gnomAD v4.1: 10 of 1,614,132 alleles (0.00062%); highest among the groups gnomAD compares: Non-Finnish European, 0.00085%; no homozygotes.

Submissions (2):

Blueprint Genetics
Classification: Uncertain significance. Last evaluated: 2024-10-30. Review status: criteria provided, single submitter. Criteria: ACMG Guidelines, 2015. Collection method: clinical testing. Allele origin: germline.

Labcorp Genetics (formerly Invitae), Labcorp
Classification: Uncertain significance for Muscular dystrophy-dystroglycanopathy (congenital with impaired intellectual development), type B, 1; Walker-Warburg congenital muscular dystrophy; Autosomal recessive limb-girdle muscular dystrophy type 2K. Last evaluated: 2022-01-28. Review status: criteria provided, single submitter. Criteria: Invitae Variant Classification Sherloc (09022015). Collection method: clinical testing. Allele origin: germline.
Comment: This sequence change replaces proline, which is neutral and non-polar, with leucine, which is neutral and non-polar, at codon 8 of the POMT1 protein (p.Pro8Leu). This variant is not present in population databases (gnomAD no frequency). This variant has not been reported in the literature in individuals affected with POMT1-related conditions. Algorithms developed to predict the effect of missense changes on protein structure and function are either unavailable or do not agree on the potential impact of this missense change (SIFT: "Deleterious"; PolyPhen-2: "Probably Damaging"; Align-GVGD: "Class C0"). In summary, the available evidence is currently insufficient to determine the role of this variant in disease. Therefore, it has been classified as a Variant of Uncertain Significance.

NM_001077365.2(POMT1):c.23C>T (p.Pro8Leu)

Gene: POMT1 (protein O-mannosyltransferase 1; plus strand). Cytogenetic location: 9q34.13.
Variant type: single nucleotide variant.
Coding change: c.23C>T on transcript NM_001077365.2 (MANE Select); coding-DNA position 23, C replaced by T.
Protein change: p.Pro8Leu; replaces proline 8 with leucine.
Molecular consequence: missense variant. On other transcripts: 5 prime UTR variant (4), non-coding transcript variant (4), intron variant (9).
Genome position (GRCh38, 1-based): chr9:131,504,241, C>T. VCF-style: chr9-131504241-C-T. GRCh37 (hg19) VCF-style: chr9-134379628-C-T.
Other names: c.23C>T, p.Pro8Leu (NM_001136113.2, NM_001353193.2, NM_001353196.2 and 2 more transcripts); c.-222C>T (NM_001353195.2); c.-449C>T (NM_001353198.2); c.-171C>T (NM_001374692.1); c.-129C>T (NM_001374695.1); c.-41+928C>T (NM_001353194.2); c.-72+928C>T (NM_001374691.1); c.-41+1168C>T (NM_001374689.1, NM_001353197.2, NM_001077366.2 and 1 more transcripts); and 2 more; short protein forms P8L.
Identifiers: ClinVar variation 2041570 (VCV002041570.2), dbSNP rs760216356, ClinGen allele CA200776520.